The following is an entry in ClinVar:

ClinVar aggregate classification (germline): Likely benign (0 of 4 stars; one submission).

Conditions:
CFAP298-related disorder. Also called: CFAP298-related condition.

Allele frequency attached by ClinVar (database versions not stated): gnomAD 0.00007; TOPMed 0.00011; ExAC 0.00013; 1000 Genomes Project 0.00020; 1000 Genomes Project 30x 0.00047.

Submission:

PreventionGenetics, part of Exact Sciences
Classification: Likely benign for CFAP298-related condition. Last evaluated: 2019-06-27. Review status: no assertion criteria provided. Collection method: clinical testing. Allele origin: germline.
Comment: This variant is classified as likely benign based on ACMG/AMP sequence variant interpretation guidelines (Richards et al. 2015 PMID: 25741868, with internal and published modifications).

NM_021254.4(CFAP298):c.666+77G>A

Genes: CFAP298 (cilia and flagella associated protein 298; minus strand), CFAP298-TCP10L (CFAP298-TCP10L readthrough; minus strand). Cytogenetic location: 21q22.11.
Variant type: single nucleotide variant.
Coding change: c.666+77G>A on transcript NM_021254.4 (MANE Select); 77 bases into the intron after coding-DNA position 666, G replaced by A.
Molecular consequence: intron variant. On other transcripts: 3 prime UTR variant (1).
Genome position (GRCh38, 1-based): chr21:32,603,084, C>T on the plus strand (G>A on the coding strand, the complement: CFAP298 is on the minus strand). VCF-style: chr21-32603084-C-T. GRCh37 (hg19) VCF-style: chr21-33975394-C-T.
Other names: c.*5G>A (NM_001350335.2); c.666+77G>A (NM_001350338.2, NM_001350336.2, NM_001350337.2); c.369+77G>A (NM_001350334.2).
Identifiers: ClinVar variation 3044283 (VCV003044283.2), dbSNP rs192428442, ClinGen allele CA10002769.